The following is an entry in ClinVar:

ClinVar aggregate classification (germline): Uncertain significance (1 of 4 stars; one submission).

Conditions:
Early Myoclonic Encephalopathy. Identifiers: MedGen C0270855.

gnomAD v4.1: 13 of 1,609,630 alleles (0.00081%); highest among the groups gnomAD compares: Non-Finnish European, 0.0011%; no homozygotes.

Submission:

Labcorp Genetics (formerly Invitae), Labcorp
Classification: Uncertain significance for Early Myoclonic Encephalopathy. Last evaluated: 2022-07-27. Review status: criteria provided, single submitter. Criteria: Invitae Variant Classification Sherloc (09022015). Collection method: clinical testing. Allele origin: germline.
Comment: Algorithms developed to predict the effect of missense changes on protein structure and function are either unavailable or do not agree on the potential impact of this missense change (SIFT: "Deleterious"; PolyPhen-2: "Benign"; Align-GVGD: "Class C0"). In summary, the available evidence is currently insufficient to determine the role of this variant in disease. Therefore, it has been classified as a Variant of Uncertain Significance. This sequence change replaces arginine, which is basic and polar, with histidine, which is basic and polar, at codon 24 of the JMJD1C protein (p.Arg24His). The frequency data for this variant in the population databases is considered unreliable, as metrics indicate poor data quality at this position in the gnomAD database. This variant has not been reported in the literature in individuals affected with JMJD1C-related conditions.

NM_032776.3(JMJD1C):c.71G>A (p.Arg24His)

Genes: JMJD1C (jumonji domain containing 1C; minus strand), JMJD1C-AS1 (JMJD1C antisense RNA 1; plus strand). Cytogenetic location: 10q21.3.
Variant type: single nucleotide variant.
Coding change: c.71G>A on transcript NM_032776.3 (MANE Select); coding-DNA position 71, G replaced by A.
Protein change: p.Arg24His; replaces arginine 24 with histidine.
Molecular consequence: missense variant. On other transcripts: non-coding transcript variant (1), intron variant (2).
Genome position (GRCh38, 1-based): chr10:63,465,592, C>T on the plus strand (G>A on the coding strand, the complement: JMJD1C is on the minus strand). VCF-style: chr10-63465592-C-T. GRCh37 (hg19) VCF-style: chr10-65225352-C-T.
Other names: c.71G>A, p.Arg24His (NM_001322252.2); c.-384+56146G>A (NM_001322258.2); c.-379+56146G>A (NM_001318154.2); short protein forms R24H.
Identifiers: ClinVar variation 2139627 (VCV002139627.4), dbSNP rs1020421317, ClinGen allele CA377088334.